The following is an entry in ClinVar:

ClinVar aggregate classification (germline): Conflicting classifications of pathogenicity. Review status: criteria provided, conflicting classifications (1 of 4 stars). 4 submissions from 4 submitters: Uncertain significance (1); Benign (1); Likely benign (2). Last evaluated 2026-02-01.

Conditions:
Hyperprolinemia type 2 (HYRPRO2). Also called: Delta-1-pyrroline-5-carboxylate dehydrogenase deficiency; Deficiency of pyrroline-5-carboxylate reductase; 1-PYRROLINE-5-CARBOXYLATE DEHYDROGENASE DEFICIENCY. Identifiers: Orphanet 79101, MedGen C2931835, MONDO:0009401, OMIM 239510.

Allele frequency attached by ClinVar (database versions not stated): 1000 Genomes Project 0.00120; 1000 Genomes Project 30x 0.00125; gnomAD exomes 0.00228; gnomAD 0.00249 and 0.00250; TOPMed 0.00264; ExAC 0.00271; ESP Exome Variant Server 0.00283.
gnomAD v4.1: 5,395 of 1,552,608 alleles (0.35%); highest among the groups gnomAD compares: Non-Finnish European, 0.42%; 19 homozygotes.

Submissions (4):

CeGaT Center for Human Genetics Tuebingen
Classification: Likely benign. Last evaluated: 2026-02-01. Review status: criteria provided, single submitter. Criteria: CeGaT Center For Human Genetics Tuebingen Variant Classification Criteria Version 2. Collection method: clinical testing. Allele origin: germline. Affected: yes. Observed: 2 variant alleles.
Comment: ALDH4A1: BP4, BP7, BS2

Labcorp Genetics (formerly Invitae), Labcorp
Classification: Benign for Hyperprolinemia type 2. Last evaluated: 2026-01-27. Review status: criteria provided, single submitter. Criteria: Invitae Variant Classification Sherloc (09022015). Collection method: clinical testing. Allele origin: germline.

Blueprint Genetics
Classification: Likely benign. Last evaluated: 2024-11-25. Review status: criteria provided, single submitter. Criteria: ACMG Guidelines, 2015. Collection method: clinical testing. Allele origin: germline.

Illumina Laboratory Services, Illumina
Classification: Uncertain significance for Hyperprolinemia type 2. Last evaluated: 2018-01-13. Review status: criteria provided, single submitter. Criteria: ICSL Variant Classification Criteria 13 December 2019. Collection method: clinical testing. Allele origin: germline.

NM_003748.4(ALDH4A1):c.228G>A (p.Ser76=)

Gene: ALDH4A1 (aldehyde dehydrogenase 4 family member A1; minus strand). Cytogenetic location: 1p36.13.
Variant type: single nucleotide variant.
Coding change: c.228G>A on transcript NM_003748.4 (MANE Select); coding-DNA position 228, G replaced by A.
Protein change: p.Ser76=; no amino-acid change (serine 76 retained).
Molecular consequence: synonymous variant.
Genome position (GRCh38, 1-based): chr1:18,889,383, C>T on the plus strand (G>A on the coding strand, the complement: ALDH4A1 is on the minus strand). VCF-style: chr1-18889383-C-T. GRCh37 (hg19) VCF-style: chr1-19215877-C-T.
Other names: c.48G>A, p.Ser16= (NM_001161504.2); c.228G>A, p.Ser76= (NM_001319218.2, NM_170726.3).
Identifiers: ClinVar variation 697959 (VCV000697959.38), dbSNP rs145686117, ClinGen allele CA647452.